The following is an entry in ClinVar:

NM_145200.5(CABP4):c.544G>A (p.Gly182Ser)

Gene: CABP4 (calcium binding protein 4; plus strand). Cytogenetic location: 11q13.2.
Variant type: single nucleotide variant.
Coding change: c.544G>A on transcript NM_145200.5 (MANE Select); coding-DNA position 544, G replaced by A.
Protein change: p.Gly182Ser; replaces glycine 182 with serine.
Molecular consequence: missense variant. On other transcripts: non-coding transcript variant (1).
Genome position (GRCh38, 1-based): chr11:67,457,575, G>A. VCF-style: chr11-67457575-G-A. GRCh37 (hg19) VCF-style: chr11-67225046-G-A.
Other names: c.229G>A, p.Gly77Ser (NM_001300895.3, NM_001300896.3, NM_001379183.1); c.544G>A (NM_145200.3); short protein forms G182S, G77S.
Identifiers: ClinVar variation 2065496 (VCV002065496.2), dbSNP rs1413639769, ClinGen allele CA381531171.
Genomic context (GRCh38, chr11:67,457,575, plus strand): 5'-CTCCTTGGGCTTCAGACCTTATGCCCTCACCATTGTGACACTCTTCCTGGGTCTGCAGTG[G>A]GCGGCCGTGTGGACTTTGAGGAGTTTGTAGAACTGATAGGCCCAAAGCTGAGGGAGGAGA-3'
Protein context (NP_660201.1, residues 172-192): EVSQHIKMRM[Gly182Ser]GRVDFEEFVE

ClinVar aggregate classification (germline): Uncertain significance. Review status: criteria provided, single submitter (1 of 4 stars). 2 submissions from 2 submitters: Uncertain significance (1). 1 of the submissions does not count toward it. Last evaluated 2022-02-02.

Conditions:
CABP4-related disorder. Also called: CABP4-related condition.

Allele frequency attached by ClinVar (database versions not stated): TOPMed below 0.00001; gnomAD exomes 0.00001.
gnomAD v4.1: 13 of 1,581,382 alleles (0.00082%); highest among the groups gnomAD compares: Admixed American, 0.0073%; no homozygotes.

Submissions (2):

Labcorp Genetics (formerly Invitae), Labcorp
Classification: Uncertain significance. Last evaluated: 2022-02-02. Review status: criteria provided, single submitter. Criteria: Invitae Variant Classification Sherloc (09022015). Collection method: clinical testing. Allele origin: germline.
Comment: This sequence change replaces glycine, which is neutral and non-polar, with serine, which is neutral and polar, at codon 182 of the CABP4 protein (p.Gly182Ser). The frequency data for this variant in the population databases is considered unreliable, as metrics indicate poor data quality at this position in the gnomAD database. This variant has not been reported in the literature in individuals affected with CABP4-related conditions. Algorithms developed to predict the effect of missense changes on protein structure and function are either unavailable or do not agree on the potential impact of this missense change (SIFT: "Tolerated"; PolyPhen-2: "Possibly Damaging"; Align-GVGD: "Class C0"). In summary, the available evidence is currently insufficient to determine the role of this variant in disease. Therefore, it has been classified as a Variant of Uncertain Significance.

PreventionGenetics, part of Exact Sciences
Classification: Uncertain significance for CABP4-related condition. Last evaluated: 2024-09-16. Review status: no assertion criteria provided. Collection method: clinical testing. Allele origin: germline. Not counted in ClinVar's aggregate classification.
Comment: The CABP4 c.544G>A variant is predicted to result in the amino acid substitution p.Gly182Ser. To our knowledge, this variant has not been reported in the literature. This variant is reported in 0.011% of alleles in individuals of Latino descent in gnomAD. At this time, the clinical significance of this variant is uncertain due to the absence of conclusive functional and genetic evidence.